The following is an entry in ClinVar:

NM_000551.4(VHL):c.171GCGGCC[3] (p.Pro61_Val62insArgPro)

Gene: VHL (von Hippel-Lindau tumor suppressor; plus strand). Cytogenetic location: 3p25.3.
Variant type: Microsatellite.
Coding change: c.171GCGGCC[3] on transcript NM_000551.4 (MANE Select); three copies in a row of the 6-base unit GCGGCC starting at c.171; the reference has two copies in a row; one copy, 6 bases duplicated.
Protein change: p.Pro61_Val62insArgPro.
Molecular consequence: non-coding transcript variant (on NR_176335.1).
Genome position (GRCh38, 1-based): chr3:10,142,024-10,142,029, GCGGCC duplicated; duplicating any 6 consecutive bases within chr3:10,142,018-10,142,029 gives the same sequence; the position shown is the placement nearest the transcript's 3' end. VCF-style (leftmost placement, unchanged base first): chr3-10142017-G-GGCGGCC. GRCh37 (hg19) VCF-style: chr3-10183701-G-GGCGGCC.
Other names: c.171GCGGCC[3], p.Pro61_Val62insArgPro (NM_001354723.2, NM_198156.3).
Identifiers: ClinVar variation 4785875 (VCV004785875.2).

ClinVar aggregate classification (germline): Uncertain significance. Review status: criteria provided, multiple submitters, no conflicts (2 of 4 stars). 2 submissions from 2 submitters: Uncertain significance (2). Last evaluated 2025-10-26.

Conditions:
Von Hippel-Lindau syndrome (VHLS). Also called: VHL syndrome; Von Hippel-Lindau; von Hippel–Lindau syndrome. Identifiers: Orphanet 892, MedGen C0019562, MONDO:0008667, OMIM 193300. Disease mechanism: loss of function.
Chuvash polycythemia. Also called: POLYCYTHEMIA, VHL-DEPENDENT. Identifiers: Orphanet 238557, MedGen C1837915, MONDO:0009892, OMIM 263400.

Submissions (2):

Labcorp Genetics (formerly Invitae), Labcorp
Classification: Uncertain significance for Von Hippel-Lindau syndrome; Chuvash polycythemia. Last evaluated: 2025-10-26. Review status: criteria provided, single submitter. Criteria: Invitae Variant Classification Sherloc (09022015). Collection method: clinical testing. Allele origin: germline.
Comment: This variant, c.177_182dup, results in the insertion of 2 amino acid(s) of the VHL protein (p.Arg60_Pro61dup), but otherwise preserves the integrity of the reading frame. This variant is not present in population databases (gnomAD no frequency). This variant has not been reported in the literature in individuals affected with VHL-related conditions. Experimental studies and prediction algorithms are not available or were not evaluated, and the functional significance of this variant is currently unknown. In summary, the available evidence is currently insufficient to determine the role of this variant in disease. Therefore, it has been classified as a Variant of Uncertain Significance.

Blueprint Genetics
Classification: Uncertain significance. Last evaluated: 2022-12-21. Review status: criteria provided, single submitter. Criteria: ACMG Guidelines, 2015. Collection method: clinical testing. Allele origin: germline.